The following is an entry in ClinVar:

ClinVar aggregate classification (germline): Likely benign (1 of 4 stars; one submission).

gnomAD v4.1: 1 of 109,278 alleles (0.00092%); highest among the groups gnomAD compares: African/African-American, 0.0033%; no homozygotes.

Submission:

CeGaT Center for Human Genetics Tuebingen
Classification: Likely benign. Last evaluated: 2026-08-01. Review status: criteria provided, single submitter. Criteria: CeGaT Center For Human Genetics Tuebingen Variant Classification Criteria Version 2. Collection method: clinical testing. Allele origin: germline. Affected: yes. Observed: 1 variant allele.
Comment: ATP7A: BP4, BP7

NM_000052.7(ATP7A):c.1544-691G>A

Gene: ATP7A (ATPase copper transporting alpha; plus strand). Cytogenetic location: Xq21.1.
Variant type: single nucleotide variant.
Coding change: c.1544-691G>A on transcript NM_000052.7 (MANE Select); 691 bases into the intron before coding-DNA position 1544, G replaced by A.
Molecular consequence: intron variant.
Genome position (GRCh38, 1-based): chrX:78,002,382, G>A. VCF-style: chrX-78002382-G-A. GRCh37 (hg19) VCF-style: chrX-77257879-G-A.
Other names: c.1544-691G>A (NM_001282224.2).
Identifiers: ClinVar variation 4534727 (VCV004534727.6).